The following is an entry in ClinVar:

ClinVar aggregate classification (germline): Conflicting classifications of pathogenicity. Review status: criteria provided, conflicting classifications (1 of 4 stars). 7 submissions from 7 submitters: Pathogenic (2); Likely pathogenic (2); Uncertain significance (2). 1 of the submissions does not count toward it. Last evaluated 2024-11-20.

Conditions:
Maple syrup urine disease type 1A (MSUD1A). Also called: MSUD type 1A. Identifiers: MedGen C1855369, MONDO:0023691, OMIM 248600.
Maple syrup urine disease (MSUD). Identifiers: Orphanet 511, MedGen C0024776, MeSH D008375, MONDO:0009563. Disease mechanism: loss of function.

Allele frequency attached by ClinVar (database versions not stated): 1000 Genomes Project 30x 0.00031; gnomAD exomes 0.00001 and below 0.00001; 1000 Genomes Project 0.00020; TOPMed below 0.00001; ExAC 0.00001; gnomAD 0.00001.

Submissions (7):

Natera, Inc.
Classification: Likely pathogenic for Maple syrup urine disease type 1A. Last evaluated: 2024-11-20. Review status: criteria provided, single submitter. Criteria: Natera Variant Classification Schema (03/2026). Collection method: clinical testing. Allele origin: germline.
Comment: The c.1036C>T variant in BCKDHA is a missense variant predicted to cause substitution of arginine to cysteine at amino acid 346. This variant is rare in the general population with a frequency below the threshold expected for the associated phenotype(s). This variant has been observed in one or more individuals affected with the associated recessive disease, as either homozygous or compound heterozygous with a second variant (PMID: 22593002, 21844576, 24772966). A different variant at the same position has been determined to be Pathogenic or Likely Pathogenic. Computational prediction algorithms indicate this variant is likely to affect gene or protein function. Given the available evidence, this variant is classified as Likely Pathogenic.

Women's Health and Genetics/Laboratory Corporation of America, LabCorp
Classification: Uncertain significance. Last evaluated: 2024-07-08. Review status: criteria provided, single submitter. Criteria: LabCorp Variant Classification Summary - May 2015. Collection method: clinical testing. Allele origin: germline.
Comment: Variant summary: BCKDHA c.1036C>T (p.Arg346Cys) results in a non-conservative amino acid change located in the Dehydrogenase, E1 component domain (IPR001017) of the encoded protein sequence. Five of five in-silico tools predict a damaging effect of the variant on protein function. The variant allele was found at a frequency of 1.3e-05 in 235072 control chromosomes. c.1036C>T has been reported in the literature as homozygous or compound heterozygous genotype in individuals affected with Maple Syrup Urine Disease (Park_2011, Narayanan_2013). These data indicate that the variant may be associated with disease. To our knowledge, no experimental evidence demonstrating an impact on protein function has been reported. The following publications have been ascertained in the context of this evaluation (PMID: 21844576, 24772966). ClinVar contains an entry for this variant (Variation ID: 93335). Based on the evidence outlined above, the variant was classified as VUS-possibly pathogenic.

Labcorp Genetics (formerly Invitae), Labcorp
Classification: Uncertain significance for Maple syrup urine disease. Last evaluated: 2024-03-20. Review status: criteria provided, single submitter. Criteria: Invitae Variant Classification Sherloc (09022015). Collection method: clinical testing. Allele origin: germline.
Comment: This sequence change replaces arginine, which is basic and polar, with cysteine, which is neutral and slightly polar, at codon 346 of the BCKDHA protein (p.Arg346Cys). This variant is present in population databases (rs182923857, gnomAD 0.003%). This missense change has been observed in individual(s) with maple syrup urine disease (PMID: 24772966). ClinVar contains an entry for this variant (Variation ID: 93335). Advanced modeling of protein sequence and biophysical properties (such as structural, functional, and spatial information, amino acid conservation, physicochemical variation, residue mobility, and thermodynamic stability) performed at Invitae indicates that this missense variant is expected to disrupt BCKDHA protein function with a positive predictive value of 95%. In summary, the available evidence is currently insufficient to determine the role of this variant in disease. Therefore, it has been classified as a Variant of Uncertain Significance.

Baylor Genetics
Classification: Likely pathogenic for Maple syrup urine disease type 1A. Last evaluated: 2024-02-18. Review status: criteria provided, single submitter. Criteria: ACMG Guidelines, 2015. Collection method: clinical testing. Allele origin: unknown.

Genome-Nilou Lab
Classification: Pathogenic for Maple syrup urine disease type 1A. Last evaluated: 2021-11-07. Review status: criteria provided, single submitter. Criteria: ACMG Guidelines, 2015. Collection method: clinical testing. Allele origin: germline. Affected: no.

Eurofins Ntd Llc (ga)
Classification: Pathogenic. Last evaluated: 2013-08-25. Review status: criteria provided, single submitter. Criteria: EGL Classification Definitions. Collection method: clinical testing. Allele origin: germline. Observed: 2 variant alleles, 1 heterozygote, 1 homozygote.

Counsyl
Classification: Likely pathogenic for Maple syrup urine disease type 1A. Last evaluated: 2018-03-14. Review status: no assertion criteria provided. Collection method: clinical testing. Allele origin: unknown. Not counted in ClinVar's aggregate classification.

Literature cited by the submitters: PubMed 22593002 (cited by Natera, Inc. and Counsyl); PubMed 21844576 (cited by 3 submitters); PubMed 24772966 (cited by 3 submitters); PubMed 32778825 (cited by Women's Health and Genetics/Laboratory Corporation of America, LabCorp).

NM_000709.4(BCKDHA):c.1036C>T (p.Arg346Cys)

Gene: BCKDHA (branched chain keto acid dehydrogenase E1 subunit alpha; plus strand). Cytogenetic location: 19q13.2.
Variant type: single nucleotide variant.
Coding change: c.1036C>T on transcript NM_000709.4 (MANE Select); coding-DNA position 1036, C replaced by T.
Protein change: p.Arg346Cys; replaces arginine 346 with cysteine.
Molecular consequence: missense variant.
Genome position (GRCh38, 1-based): chr19:41,423,038, C>T. VCF-style: chr19-41423038-C-T. GRCh37 (hg19) VCF-style: chr19-41928943-C-T.
Other names: c.1033C>T, p.Arg345Cys (NM_001164783.2); short protein forms R346C, R345C.
Identifiers: ClinVar variation 93335 (VCV000093335.19), dbSNP rs182923857, ClinGen allele CA221176.